The following is an entry in ClinVar:

NM_004646.4(NPHS1):c.620G>A (p.Arg207Gln)

Gene: NPHS1 (NPHS1 adhesion molecule, nephrin; minus strand). Cytogenetic location: 19q13.12.
Variant type: single nucleotide variant.
Coding change: c.620G>A on transcript NM_004646.4 (MANE Select); coding-DNA position 620, G replaced by A.
Protein change: p.Arg207Gln; replaces arginine 207 with glutamine.
Molecular consequence: missense variant.
Genome position (GRCh38, 1-based): chr19:35,849,642, C>T on the plus strand (G>A on the coding strand, the complement: NPHS1 is on the minus strand). VCF-style: chr19-35849642-C-T. GRCh37 (hg19) VCF-style: chr19-36340544-C-T.
Other names: short protein forms R207Q.
Identifiers: ClinVar variation 2201507 (VCV002201507.3), dbSNP rs114428177, ClinGen allele CA9390716.

ClinVar aggregate classification (germline): Conflicting classifications of pathogenicity. Review status: criteria provided, conflicting classifications (1 of 4 stars). 3 submissions from 3 submitters: Uncertain significance (2); Likely benign (1). Last evaluated 2024-06-21.

Conditions:
Inborn genetic diseases. Identifiers: MedGen C0950123, MeSH D030342.
Finnish congenital nephrotic syndrome (NPHS1). Also called: NEPHROTIC SYNDROME, TYPE 1. Identifiers: Orphanet 839, MedGen C0403399, MONDO:0009732, OMIM 256300.

Allele frequency attached by ClinVar (database versions not stated): TOPMed below 0.00001; ExAC 0.00001; gnomAD exomes 0.00002; gnomAD 0.00003; 1000 Genomes Project 30x 0.00016; 1000 Genomes Project 0.00020.
gnomAD v4.1: 30 of 1,613,480 alleles (0.0019%); highest among the groups gnomAD compares: African/African-American, 0.0027%; no homozygotes.

Submissions (3):

Fulgent Genetics
Classification: Uncertain significance for Finnish congenital nephrotic syndrome. Last evaluated: 2024-06-21. Review status: criteria provided, single submitter. Criteria: ACMG Guidelines, 2015. Collection method: clinical testing. Allele origin: germline.

Ambry Genetics
Classification: Likely benign for Inborn genetic diseases. Last evaluated: 2023-10-27. Review status: criteria provided, single submitter. Criteria: Ambry Variant Classification Scheme 2023. Collection method: clinical testing. Allele origin: germline.

Labcorp Genetics (formerly Invitae), Labcorp
Classification: Uncertain significance. Last evaluated: 2022-02-20. Review status: criteria provided, single submitter. Criteria: Invitae Variant Classification Sherloc (09022015). Collection method: clinical testing. Allele origin: germline.
Comment: This sequence change replaces arginine, which is basic and polar, with glutamine, which is neutral and polar, at codon 207 of the NPHS1 protein (p.Arg207Gln). This variant is present in population databases (rs114428177, gnomAD 0.006%). This variant has not been reported in the literature in individuals affected with NPHS1-related conditions. Advanced modeling of protein sequence and biophysical properties (such as structural, functional, and spatial information, amino acid conservation, physicochemical variation, residue mobility, and thermodynamic stability) performed at Invitae indicates that this missense variant is not expected to disrupt NPHS1 protein function. In summary, the available evidence is currently insufficient to determine the role of this variant in disease. Therefore, it has been classified as a Variant of Uncertain Significance.